The following is an entry in ClinVar:

ClinVar aggregate classification (germline): Uncertain significance (1 of 4 stars; one submission).

Conditions:
Hereditary cancer-predisposing syndrome. Also called: Neoplastic Syndromes, Hereditary; Tumor predisposition; Hereditary Cancer Syndrome; Hereditary neoplastic syndrome. Identifiers: Orphanet 140162, MedGen C0027672, MeSH D009386, MONDO:0015356.

Allele frequency attached by ClinVar (database versions not stated): gnomAD exomes below 0.00001.
gnomAD v4.1: 1 of 1,614,048 alleles (0.000062%); highest among the groups gnomAD compares: South Asian, 0.0011%; no homozygotes.

Submission:

Ambry Genetics
Classification: Uncertain significance for Hereditary cancer-predisposing syndrome. Last evaluated: 2015-05-21. Review status: criteria provided, single submitter. Criteria: Ambry Variant Classification Scheme 2023. Collection method: clinical testing. Allele origin: germline.
Comment: The p.T104I variant (also known as c.311C>T), located in coding exon 3 of the BRIP1 gene, results from a C to T substitution at nucleotide position 311. The threonine at codon 104 is replaced by isoleucine, an amino acid with similar properties. This variant was not reported in population based cohorts in the following databases: Database of Single Nucleotide Polymorphisms (dbSNP), NHLBI Exome Sequencing Project (ESP), and 1000 Genomes Project. In the ESP, this variant was not observed in 6503 samples (13006 alleles) with coverage at this position. To date, this alteration has been detected with an allele frequency of approximately 0.002% (greater than 65000 alleles tested) in our clinical cohort. This amino acid position is well conserved in available vertebrate species. In addition, this alteration is predicted to be tolerated by in silico analysis. Since supporting evidence is limited at this time, the clinical significance of p.T104I remains unclear.

NM_032043.3(BRIP1):c.311C>T (p.Thr104Ile)

Gene: BRIP1 (BRCA1 interacting DNA helicase 1; minus strand). Cytogenetic location: 17q23.2.
Variant type: single nucleotide variant.
Coding change: c.311C>T on transcript NM_032043.3 (MANE Select); coding-DNA position 311, C replaced by T.
Protein change: p.Thr104Ile; replaces threonine 104 with isoleucine.
Molecular consequence: missense variant.
Genome position (GRCh38, 1-based): chr17:61,857,126, G>A on the plus strand (C>T on the coding strand, the complement: BRIP1 is on the minus strand). VCF-style: chr17-61857126-G-A. GRCh37 (hg19) VCF-style: chr17-59934487-G-A.
Other names: short protein forms T104I.
Identifiers: ClinVar variation 232022 (VCV000232022.5), dbSNP rs876659500, ClinGen allele CA10580887.